The following is an entry in ClinVar:

ClinVar aggregate classification (germline): Conflicting classifications of pathogenicity. Review status: criteria provided, conflicting classifications (1 of 4 stars). 2 submissions from 2 submitters: Uncertain significance (1); Likely benign (1). Last evaluated 2025-03-24.

Conditions:
Long QT syndrome (LQTS). Identifiers: MedGen C0023976, MeSH D008133, MONDO:0002442. Disease mechanism: loss of function. Inheritance: Various modes of inheritance.
Cardiovascular phenotype. Identifiers: MedGen CN230736.

Allele frequency attached by ClinVar (database versions not stated): TOPMed 0.00001; ExAC 0.00004.
gnomAD v4.1: 7 of 1,614,206 alleles (0.00043%); highest among the groups gnomAD compares: Admixed American, 0.012%; no homozygotes.

Submissions (2):

Labcorp Genetics (formerly Invitae), Labcorp
Classification: Uncertain significance for Long QT syndrome. Last evaluated: 2025-03-24. Review status: criteria provided, single submitter. Criteria: Invitae Variant Classification Sherloc (09022015). Collection method: clinical testing. Allele origin: germline.
Comment: This sequence change replaces glutamic acid, which is acidic and polar, with aspartic acid, which is acidic and polar, at codon 3753 of the AKAP9 protein (p.Glu3753Asp). This variant is present in population databases (rs778568641, gnomAD 0.03%). This variant has not been reported in the literature in individuals affected with AKAP9-related conditions. ClinVar contains an entry for this variant (Variation ID: 2153136). An algorithm developed to predict the effect of missense changes on protein structure and function (PolyPhen-2) suggests that this variant is likely to be disruptive. In summary, the available evidence is currently insufficient to determine the role of this variant in disease. Therefore, it has been classified as a Variant of Uncertain Significance.

Ambry Genetics
Classification: Likely benign for Cardiovascular phenotype. Last evaluated: 2024-04-14. Review status: criteria provided, single submitter. Criteria: Ambry Variant Classification Scheme 2023. Collection method: clinical testing. Allele origin: germline.

NM_005751.5(AKAP9):c.11259G>C (p.Glu3753Asp)

Gene: AKAP9 (A-kinase anchoring protein 9; plus strand). Cytogenetic location: 7q21.2.
Variant type: single nucleotide variant.
Coding change: c.11259G>C on transcript NM_005751.5 (MANE Select); coding-DNA position 11259, G replaced by C.
Protein change: p.Glu3753Asp; replaces glutamic acid 3753 with aspartic acid.
Molecular consequence: missense variant.
Genome position (GRCh38, 1-based): chr7:92,102,755, G>C. VCF-style: chr7-92102755-G-C. GRCh37 (hg19) VCF-style: chr7-91732069-G-C.
Other names: c.5904G>C, p.Glu1968Asp (NM_001379277.1); c.11235G>C, p.Glu3745Asp (NM_147185.3); short protein forms E1968D, E3753D, E3745D.
Identifiers: ClinVar variation 2153136 (VCV002153136.5), dbSNP rs778568641, ClinGen allele CA4338128.
Genomic context (GRCh38, chr7:92,102,755, plus strand): 5'-AGATGCCACCTTGGCCCTGCTTGCCCGGATGGGGGGGCAGCCAGCTTTCACGGATCTAGA[G>C]GTGATCACCAATCGCCCAAAGGGCTTCACCAGGTTTCGGTCGGCCGTCAGAGTATCCATT-3'
Protein context (NP_005742.4, residues 3743-3763): MGGQPAFTDL[Glu3753Asp]VITNRPKGFT